The following is an entry in ClinVar:

ClinVar aggregate classification (germline): Uncertain significance (1 of 4 stars; one submission).

Conditions:
Febrile seizures, familial, 11 (FEB11). Also called: CONVULSIONS, FAMILIAL FEBRILE, 11. Identifiers: MedGen C3280734, MONDO:0024566, OMIM 614418.

Allele frequency attached by ClinVar (database versions not stated): ExAC 0.00004; gnomAD 0.00003; gnomAD exomes 0.00003; TOPMed 0.00004; ESP Exome Variant Server 0.00015.

Submission:

Labcorp Genetics (formerly Invitae), Labcorp
Classification: Uncertain significance for Febrile seizures, familial, 11. Last evaluated: 2020-08-21. Review status: criteria provided, single submitter. Criteria: Invitae Variant Classification Sherloc (09022015). Collection method: clinical testing. Allele origin: germline.
Comment: This variant has not been reported in the literature in individuals with CPA6-related disease. Algorithms developed to predict the effect of missense changes on protein structure and function (SIFT, PolyPhen-2, Align-GVGD) all suggest that this variant is likely to be tolerated, but these predictions have not been confirmed by published functional studies and their clinical significance is uncertain. In summary, the available evidence is currently insufficient to determine the role of this variant in disease. Therefore, it has been classified as a Variant of Uncertain Significance. This variant is present in population databases (rs138360068, ExAC 0.04%). This sequence change replaces arginine with cysteine at codon 7 of the CPA6 protein (p.Arg7Cys). The arginine residue is weakly conserved and there is a large physicochemical difference between arginine and cysteine.

NM_020361.5(CPA6):c.19C>T (p.Arg7Cys)

Gene: CPA6 (carboxypeptidase A6; minus strand). Cytogenetic location: 8q13.2.
Variant type: single nucleotide variant.
Coding change: c.19C>T on transcript NM_020361.5 (MANE Select); coding-DNA position 19, C replaced by T.
Protein change: p.Arg7Cys; replaces arginine 7 with cysteine.
Molecular consequence: missense variant.
Genome position (GRCh38, 1-based): chr8:67,746,111, G>A on the plus strand (C>T on the coding strand, the complement: CPA6 is on the minus strand). VCF-style: chr8-67746111-G-A. GRCh37 (hg19) VCF-style: chr8-68658346-G-A.
Other names: short protein forms R7C.
Identifiers: ClinVar variation 665449 (VCV000665449.10), dbSNP rs138360068, ClinGen allele CA4773119.